The following is an entry in ClinVar:

ClinVar aggregate classification (germline): Uncertain significance (1 of 4 stars; one submission).

Allele frequency attached by ClinVar (database versions not stated): gnomAD exomes 0.00001; ExAC 0.00002.
gnomAD v4.1: 12 of 1,614,006 alleles (0.00074%); highest among the groups gnomAD compares: South Asian, 0.0011%; no homozygotes.

Submission:

Labcorp Genetics (formerly Invitae), Labcorp
Classification: Uncertain significance. Last evaluated: 2025-05-09. Review status: criteria provided, single submitter. Criteria: Invitae Variant Classification Sherloc (09022015). Collection method: clinical testing. Allele origin: germline.
Comment: This sequence change replaces alanine, which is neutral and non-polar, with threonine, which is neutral and polar, at codon 111 of the TRPC3 protein (p.Ala111Thr). This variant is present in population databases (rs200365791, gnomAD 0.002%). This variant has not been reported in the literature in individuals affected with TRPC3-related conditions. ClinVar contains an entry for this variant (Variation ID: 1962205). Invitae Evidence Modeling of protein sequence and biophysical properties (such as structural, functional, and spatial information, amino acid conservation, physicochemical variation, residue mobility, and thermodynamic stability) indicates that this missense variant is not expected to disrupt TRPC3 protein function with a negative predictive value of 80%. In summary, the available evidence is currently insufficient to determine the role of this variant in disease. Therefore, it has been classified as a Variant of Uncertain Significance.

NM_001130698.2(TRPC3):c.331G>A (p.Ala111Thr)

Gene: TRPC3 (transient receptor potential cation channel subfamily C member 3; minus strand). Cytogenetic location: 4q27.
Variant type: single nucleotide variant.
Coding change: c.331G>A on transcript NM_001130698.2 (MANE Select); coding-DNA position 331, G replaced by A.
Protein change: p.Ala111Thr; replaces alanine 111 with threonine.
Molecular consequence: missense variant.
Genome position (GRCh38, 1-based): chr4:121,932,927, C>T on the plus strand (G>A on the coding strand, the complement: TRPC3 is on the minus strand). VCF-style: chr4-121932927-C-T. GRCh37 (hg19) VCF-style: chr4-122854082-C-T.
Other names: c.331G>A, p.Ala111Thr (NM_001366479.2); c.112G>A, p.Ala38Thr (NM_003305.2); short protein forms A38T, A111T.
Identifiers: ClinVar variation 1962205 (VCV001962205.5), dbSNP rs200365791, ClinGen allele CA3065175.